The following is an entry in ClinVar:

NM_006231.4(POLE):c.6531+4C>T

Gene: POLE (DNA polymerase epsilon, catalytic subunit; minus strand). Cytogenetic location: 12q24.33.
Variant type: single nucleotide variant.
Coding change: c.6531+4C>T on transcript NM_006231.4 (MANE Select); 4 bases into the intron after coding-DNA position 6531, C replaced by T.
Molecular consequence: intron variant.
Genome position (GRCh38, 1-based): chr12:132,626,113, G>A on the plus strand (C>T on the coding strand, the complement: POLE is on the minus strand). VCF-style: chr12-132626113-G-A. GRCh37 (hg19) VCF-style: chr12-133202699-G-A.
Identifiers: ClinVar variation 484442 (VCV000484442.16), dbSNP rs772586175, ClinGen allele CA6892158.
Genomic context (GRCh38, chr12:132,626,113, plus strand): 5'-AGACACCGCAGTGCCCTCGGATGTTCTGCTCCACAGTGAAGGGCCCGCTGGAGCTCAGCC[G>A]CACCTCTGAGAAGGAAGAGTCTTTACACAGGTCCAGGTCGCGGCAGAAGTTACAGCTGCG-3'

ClinVar aggregate classification (germline): Conflicting classifications of pathogenicity. Review status: criteria provided, conflicting classifications (1 of 4 stars). 2 submissions from 2 submitters: Uncertain significance (1); Likely benign (1). Last evaluated 2026-01-07.

Conditions:
Hereditary cancer-predisposing syndrome. Also called: Tumor predisposition; Hereditary Cancer Syndrome; Neoplastic Syndromes, Hereditary; Hereditary neoplastic syndrome. Identifiers: Orphanet 140162, MedGen C0027672, MeSH D009386, MONDO:0015356.

Allele frequency attached by ClinVar (database versions not stated): gnomAD 0.00001; gnomAD exomes 0.00002 and 0.00003; TOPMed 0.00002; ExAC 0.00005.
gnomAD v4.1: 28 of 1,589,258 alleles (0.0018%); highest among the groups gnomAD compares: African/African-American, 0.0054%; no homozygotes.

Submissions (2):

Ambry Genetics
Classification: Uncertain significance for Hereditary cancer-predisposing syndrome. Last evaluated: 2026-01-07. Review status: criteria provided, single submitter. Criteria: Ambry Variant Classification Scheme 2023. Collection method: clinical testing. Allele origin: germline.
Comment: The c.6531+4C>T intronic variant results from a C to T substitution 4 nucleotides after coding exon 46 in the POLE gene. This nucleotide position is poorly conserved in available vertebrate species. In silico splice site analysis for this alteration is inconclusive. Based on the available evidence, the clinical significance of this variant remains unclear.

Labcorp Genetics (formerly Invitae), Labcorp
Classification: Likely benign. Last evaluated: 2025-12-30. Review status: criteria provided, single submitter. Criteria: Invitae Variant Classification Sherloc (09022015). Collection method: clinical testing. Allele origin: germline.